The following is an entry in ClinVar:

ClinVar aggregate classification (germline): Pathogenic (1 of 4 stars; one submission).

Submission:

Labcorp Genetics (formerly Invitae), Labcorp
Classification: Pathogenic. Last evaluated: 2022-05-21. Review status: criteria provided, single submitter. Criteria: Invitae Variant Classification Sherloc (09022015). Collection method: clinical testing. Allele origin: germline.
Comment: For these reasons, this variant has been classified as Pathogenic. This variant has not been reported in the literature in individuals affected with USH2A-related conditions. This variant is not present in population databases (gnomAD no frequency). This sequence change creates a premature translational stop signal (p.Val2771Glyfs*6) in the USH2A gene. It is expected to result in an absent or disrupted protein product. Loss-of-function variants in USH2A are known to be pathogenic (PMID: 10729113, 10909849, 20507924, 25649381).

Literature cited by the submitters: PubMed 10729113; PubMed 10909849; PubMed 20507924; PubMed 25649381.

NM_206933.4(USH2A):c.8312del (p.Val2771fs)

Gene: USH2A (usherin; minus strand). Cytogenetic location: 1q41.
Variant type: Deletion.
Coding change: c.8312del on transcript NM_206933.4 (MANE Select); coding-DNA position 8312, one base deleted (T; older notation c.8312delT).
Protein change: p.Val2771fs; shifts the reading frame from valine 2771.
Molecular consequence: frameshift variant.
Genome position (GRCh38, 1-based): chr1:215,879,010, A deleted on the plus strand (T on the coding strand, the reverse complement: USH2A is on the minus strand). VCF-style (leftmost placement, unchanged base first): chr1-215879009-CA-C. GRCh37 (hg19) VCF-style: chr1-216052351-CA-C.
Other names: short protein forms V2771fs.
Identifiers: ClinVar variation 1997735 (VCV001997735.4), dbSNP rs2464717536, ClinGen allele CA2580062100.